The following is an entry in ClinVar:

ClinVar aggregate classification (germline): Conflicting classifications of pathogenicity. Review status: criteria provided, conflicting classifications (1 of 4 stars). 3 submissions from 3 submitters: Uncertain significance (2); Likely benign (1). Last evaluated 2025-05-23.

Conditions:
Intellectual developmental disorder, autosomal dominant 68 (MRD68). Also called: MENTAL RETARDATION, AUTOSOMAL DOMINANT 68. Identifiers: MedGen C5677008, MONDO:0030969, OMIM 619934.
Dystonia 28, childhood-onset (DYT28). Also called: KMT2B-Related Dystonia (DYT-KMT2B). Identifiers: Orphanet 589618, MedGen C4310633, MONDO:0015004, OMIM 617284.
Inborn genetic diseases. Identifiers: MedGen C0950123, MeSH D030342.

Submissions (3):

Labcorp Genetics (formerly Invitae), Labcorp
Classification: Uncertain significance. Last evaluated: 2025-05-23. Review status: criteria provided, single submitter. Criteria: Invitae Variant Classification Sherloc (09022015). Collection method: clinical testing. Allele origin: germline.
Comment: This sequence change replaces glycine, which is neutral and non-polar, with aspartic acid, which is acidic and polar, at codon 326 of the KMT2B protein (p.Gly326Asp). This variant is not present in population databases (gnomAD no frequency). This variant has not been reported in the literature in individuals affected with KMT2B-related conditions. ClinVar contains an entry for this variant (Variation ID: 2484655). Invitae Evidence Modeling of protein sequence and biophysical properties (such as structural, functional, and spatial information, amino acid conservation, physicochemical variation, residue mobility, and thermodynamic stability) indicates that this missense variant is not expected to disrupt KMT2B protein function with a negative predictive value of 95%. In summary, the available evidence is currently insufficient to determine the role of this variant in disease. Therefore, it has been classified as a Variant of Uncertain Significance.

3billion
Classification: Likely benign for Dystonia 28, childhood-onset; Intellectual developmental disorder, autosomal dominant 68. Last evaluated: 2024-09-20. Review status: criteria provided, single submitter. Criteria: ACMG Guidelines, 2015. Collection method: clinical testing. Allele origin: germline. Affected: no.
Comment: The variant was identified in at least one patient who was diagnosed with a different variant in another gene and showed no symptoms related to the gene containing the variant in question.

Ambry Genetics
Classification: Uncertain significance for Inborn genetic diseases. Last evaluated: 2023-02-15. Review status: criteria provided, single submitter. Criteria: Ambry Variant Classification Scheme 2023. Collection method: clinical testing. Allele origin: germline.

NM_014727.3(KMT2B):c.977G>A (p.Gly326Asp)

Gene: KMT2B (lysine methyltransferase 2B; plus strand). Cytogenetic location: 19q13.12.
Variant type: single nucleotide variant.
Coding change: c.977G>A on transcript NM_014727.3 (MANE Select); coding-DNA position 977, G replaced by A.
Protein change: p.Gly326Asp; replaces glycine 326 with aspartic acid.
Molecular consequence: missense variant.
Genome position (GRCh38, 1-based): chr19:35,720,324, G>A. VCF-style: chr19-35720324-G-A. GRCh37 (hg19) VCF-style: chr19-36211226-G-A.
Other names: short protein forms G326D.
Identifiers: ClinVar variation 2484655 (VCV002484655.4), dbSNP rs375618091, ClinGen allele CA307782499.